The following is an entry in ClinVar:

NM_001375.3(DNASE2):c.601G>A (p.Val201Ile)

Gene: DNASE2 (deoxyribonuclease 2, lysosomal; minus strand). Cytogenetic location: 19p13.13.
Variant type: single nucleotide variant.
Coding change: c.601G>A on transcript NM_001375.3 (MANE Select); coding-DNA position 601, G replaced by A.
Protein change: p.Val201Ile; replaces valine 201 with isoleucine.
Molecular consequence: missense variant.
Genome position (GRCh38, 1-based): chr19:12,878,490, C>T on the plus strand (G>A on the coding strand, the complement: DNASE2 is on the minus strand). VCF-style: chr19-12878490-C-T. GRCh37 (hg19) VCF-style: chr19-12989304-C-T.
Other names: c.601G>A (NM_001375.2); short protein forms V201I.
Identifiers: ClinVar variation 1916061 (VCV001916061.4), dbSNP rs778890192, ClinGen allele CA9233738.
Genomic context (GRCh38, chr19:12,878,490, plus strand): 5'-CCTGGGATGTGAGTGTGATGCTGCTGTTCCAGGGTTCTTGGCTAACGTGGTGGCCCTTGA[C>T]CACATTCTCCAAGTCGGGGAATTCCTGGGCAAAGATCCCTTCCAGCTGGTAGTTATAGAC-3'
Protein context (NP_001366.1, residues 191-211): AQEFPDLENV[Val201Ile]KGHHVSQEPW

ClinVar aggregate classification (germline): Conflicting classifications of pathogenicity. Review status: criteria provided, conflicting classifications (1 of 4 stars). 2 submissions from 2 submitters: Uncertain significance (1); Likely benign (1). Last evaluated 2024-05-26.

Allele frequency attached by ClinVar (database versions not stated): gnomAD exomes 0.00001; TOPMed 0.00001; ExAC 0.00003.
gnomAD v4.1: 6 of 1,613,982 alleles (0.00037%); highest among the groups gnomAD compares: East Asian, 0.011%; no homozygotes.

Submissions (3):

Ambry Genetics
Classification: Likely benign. Last evaluated: 2024-05-26. Review status: criteria provided, single submitter. Criteria: Ambry Variant Classification Scheme 2023. Collection method: clinical testing. Allele origin: germline.

Labcorp Genetics (formerly Invitae), Labcorp
Classification: Uncertain significance. Last evaluated: 2022-02-03. Review status: criteria provided, single submitter. Criteria: Invitae Variant Classification Sherloc (09022015). Collection method: clinical testing. Allele origin: germline.
Comment: This sequence change replaces valine, which is neutral and non-polar, with isoleucine, which is neutral and non-polar, at codon 201 of the DNASE2 protein (p.Val201Ile). This variant is present in population databases (rs778890192, gnomAD 0.06%). This variant has not been reported in the literature in individuals affected with DNASE2-related conditions. Algorithms developed to predict the effect of missense changes on protein structure and function output the following: SIFT: "Tolerated"; PolyPhen-2: "Benign"; Align-GVGD: "Class C0". The isoleucine amino acid residue is found in multiple mammalian species, which suggests that this missense change does not adversely affect protein function. In summary, the available evidence is currently insufficient to determine the role of this variant in disease. Therefore, it has been classified as a Variant of Uncertain Significance.

Dr. Peter K. Rogan Lab, Western University
No classification provided (evidence only). Condition: Thyroid cancer, nonmedullary, 1. Review status: no classification provided. Collection method: in vitro. Allele origin: not applicable. Functional consequence: retained intron. Not counted in ClinVar's aggregate classification.